The following is an entry in ClinVar:

ClinVar aggregate classification (germline): Pathogenic. Review status: reviewed by expert panel (3 of 4 stars). 3 submissions from 3 submitters: Pathogenic (1). 2 of the submissions do not count toward it. Last evaluated 2023-08-04.

Conditions:
CDH1-related diffuse gastric and lobular breast cancer syndrome. Also called: CDH1-related diffuse gastric and lobular breast cancer. Identifiers: MedGen CN311521, MONDO:0100488.
Hereditary cancer-predisposing syndrome. Also called: Tumor predisposition; Neoplastic Syndromes, Hereditary; Hereditary Cancer Syndrome; Hereditary neoplastic syndrome. Identifiers: Orphanet 140162, MedGen C0027672, MeSH D009386, MONDO:0015356.
Hereditary diffuse gastric adenocarcinoma (HDGC). Also called: DIFFUSE GASTRIC AND LOBULAR BREAST CANCER SYNDROME. Identifiers: Orphanet 26106, MedGen C1708349, MONDO:0007648, OMIM 137215.

Submissions (3):

Clingen Gastric Cancer Variant Curation Expert Panel
Classification: Pathogenic for CDH1-related diffuse gastric and lobular breast cancer syndrome. Last evaluated: 2023-08-04. Review status: reviewed by expert panel. Criteria: ClinGen CDH1 ACMG Specifications V3.1. Collection method: curation. Allele origin: germline. Inheritance: Autosomal dominant inheritance.
Comment: The c.1679dup p.(Tyr561fs) vvariant is predicted to result in a premature stop codon that leads to nonsense mediate decay (PVS1 and PM5_supporting). The variant is absent in the gnomAD cohort (PM2_supporting). Therefore, this variant meets criteria to be classified as pathogenic based on the ACMG/AMP criteria applied as specified by the CDH1 Variant Curation Expert Panel (CDH1 VCEP specifications version 3.1): PVS1, PM2_supporting, PM5_supporting.

Myriad Genetics, Inc.
Classification: Pathogenic for Hereditary diffuse gastric adenocarcinoma. Last evaluated: 2023-08-18. Review status: criteria provided, single submitter. Criteria: Myriad Autosomal Dominant, Autosomal Recessive and X-Linked Classification Criteria (2023). Collection method: clinical testing. Allele origin: unknown. Not counted in ClinVar's aggregate classification.
Comment: This variant is considered pathogenic. This variant creates a frameshift predicted to result in premature protein truncation.

Ambry Genetics
Classification: Pathogenic for Hereditary cancer-predisposing syndrome. Last evaluated: 2016-12-05. Review status: criteria provided, single submitter. Criteria: Ambry Variant Classification Scheme 2023. Collection method: clinical testing. Allele origin: germline. Not counted in ClinVar's aggregate classification.
Comment: The c.1679dupC pathogenic mutation, located in coding exon 11 of the CDH1 gene, results from a duplication of C at nucleotide position 1679, causing a translational frameshift with a predicted alternate stop codon (p.Y561Vfs*27). This alteration is expected to result in loss of function by premature protein truncation or nonsense-mediated mRNA decay. This amino acid position is highly conserved in available vertebrate species. As such, this alteration is interpreted as a disease-causing mutation.

NM_004360.5(CDH1):c.1679dup (p.Tyr561fs)

Gene: CDH1 (cadherin 1; plus strand). Cytogenetic location: 16q22.1.
Variant type: Duplication.
Coding change: c.1679dup on transcript NM_004360.5 (MANE Select); coding-DNA position 1679, one base duplicated (C; older notation c.1679dupC).
Protein change: p.Tyr561fs; shifts the reading frame from tyrosine 561.
Molecular consequence: frameshift variant. On other transcripts: intron variant (1).
Genome position (GRCh38, 1-based): chr16:68,819,393, C duplicated. VCF-style (leftmost placement, unchanged base first): chr16-68819392-A-AC. GRCh37 (hg19) VCF-style: chr16-68853295-A-AC.
Other names: NM_004360.5(CDH1):c.1679dup; p.Tyr561fs; c.1679dup (LRG_301t1); c.1496dup, p.Tyr500fs (NM_001317184.2); c.131dup, p.Tyr45fs (NM_001317185.2); c.-254-2608dup (NM_001317186.2); c.1679dupC (NM_004360.3); short protein forms Y45fs, Y500fs, Y561fs.
Identifiers: ClinVar variation 479514 (VCV000479514.7), dbSNP rs1555516567, ClinGen allele CA658658493.